The following is an entry in ClinVar:

NM_014629.4(ARHGEF10):c.2845G>C (p.Ala949Pro)

Gene: ARHGEF10 (Rho guanine nucleotide exchange factor 10; plus strand). Cytogenetic location: 8p23.3.
Variant type: single nucleotide variant.
Coding change: c.2845G>C on transcript NM_014629.4 (MANE Select); coding-DNA position 2845, G replaced by C.
Protein change: p.Ala949Pro; replaces alanine 949 with proline.
Molecular consequence: missense variant.
Genome position (GRCh38, 1-based): chr8:1,928,574, G>C. VCF-style: chr8-1928574-G-C. GRCh37 (hg19) VCF-style: chr8-1876740-G-C.
Other names: c.2731G>C, p.Ala911Pro (NM_001308152.2); c.2845G>C, p.Ala949Pro (NM_001308153.3); short protein forms A973P, A911P, A949P.
Identifiers: ClinVar variation 3000552 (VCV003000552.3), dbSNP rs754977835, ClinGen allele CA369967959.

ClinVar aggregate classification (germline): Uncertain significance (1 of 4 stars; one submission).

Allele frequency attached by ClinVar (database versions not stated): gnomAD 0.00001.
gnomAD v4.1: 3 of 1,614,122 alleles (0.00019%); highest among the groups gnomAD compares: Non-Finnish European, 0.00025%; no homozygotes.

Submission:

Labcorp Genetics (formerly Invitae), Labcorp
Classification: Uncertain significance. Last evaluated: 2023-08-01. Review status: criteria provided, single submitter. Criteria: Invitae Variant Classification Sherloc (09022015). Collection method: clinical testing. Allele origin: germline.
Comment: An algorithm developed to predict the effect of missense changes on protein structure and function (PolyPhen-2) suggests that this variant is likely to be tolerated. In summary, the available evidence is currently insufficient to determine the role of this variant in disease. Therefore, it has been classified as a Variant of Uncertain Significance. This variant has not been reported in the literature in individuals affected with ARHGEF10-related conditions. This variant is not present in population databases (gnomAD no frequency). This sequence change replaces alanine, which is neutral and non-polar, with proline, which is neutral and non-polar, at codon 949 of the ARHGEF10 protein (p.Ala949Pro).